The following is an entry in ClinVar:

ClinVar aggregate classification (germline): Likely benign. Review status: criteria provided, multiple submitters, no conflicts (2 of 4 stars). 5 submissions from 5 submitters: Likely benign (4). 1 of the submissions does not count toward it. Last evaluated 2024-11-05.

Conditions:
Floating-Harbor syndrome (FLHS). Also called: SRCAP-Related Floating-Harbor Syndrome; Short stature with delayed bone age, expressive language delay, a triangular face with a prominent nose and deep-set eyes; Pelletier-Leisti syndrome. Identifiers: Orphanet 2044, MedGen C0729582, MONDO:0007621, OMIM 136140.
Developmental delay, hypotonia, musculoskeletal defects, and behavioral abnormalities. Identifiers: MedGen C5562012, MONDO:0859202, OMIM 619595.
SRCAP-related disorder. Also called: SRCAP-related condition.

Allele frequency attached by ClinVar (database versions not stated): ESP Exome Variant Server 0.00008; TOPMed 0.00009; gnomAD exomes 0.00011 and 0.00017; gnomAD 0.00015 and 0.00016; ExAC 0.00022.
gnomAD v4.1: 181 of 1,611,308 alleles (0.011%); highest among the groups gnomAD compares: Non-Finnish European, 0.013%; 1 homozygote.

Submissions (5):

Labcorp Genetics (formerly Invitae), Labcorp
Classification: Likely benign. Last evaluated: 2024-11-05. Review status: criteria provided, single submitter. Criteria: Invitae Variant Classification Sherloc (09022015). Collection method: clinical testing. Allele origin: germline.

Blueprint Genetics
Classification: Likely benign. Last evaluated: 2024-10-24. Review status: criteria provided, single submitter. Criteria: ACMG Guidelines, 2015. Collection method: clinical testing. Allele origin: germline.

CeGaT Center for Human Genetics Tuebingen
Classification: Likely benign. Last evaluated: 2022-03-01. Review status: criteria provided, single submitter. Criteria: CeGaT Center For Human Genetics Tuebingen Variant Classification Criteria Version 2. Collection method: clinical testing. Allele origin: germline. Affected: yes. Observed: 1 variant allele.
Comment: SRCAP: BP4, BP7

Fulgent Genetics
Classification: Likely benign for Floating-Harbor syndrome; Developmental delay, hypotonia, musculoskeletal defects, and behavioral abnormalities. Last evaluated: 2022-01-07. Review status: criteria provided, single submitter. Criteria: ACMG Guidelines, 2015. Collection method: clinical testing. Allele origin: unknown.

PreventionGenetics, part of Exact Sciences
Classification: Likely benign for SRCAP-related condition. Last evaluated: 2023-12-04. Review status: no assertion criteria provided. Collection method: clinical testing. Allele origin: germline. Not counted in ClinVar's aggregate classification.
Comment: This variant is classified as likely benign based on ACMG/AMP sequence variant interpretation guidelines (Richards et al. 2015 PMID: 25741868, with internal and published modifications).

NM_006662.3(SRCAP):c.3519C>T (p.Pro1173=)

Gene: SRCAP (Snf2 related CREBBP activator protein; plus strand). Cytogenetic location: 16p11.2.
Variant type: single nucleotide variant.
Coding change: c.3519C>T on transcript NM_006662.3 (MANE Select); coding-DNA position 3519, C replaced by T.
Protein change: p.Pro1173=; no amino-acid change (proline 1173 retained).
Molecular consequence: synonymous variant.
Genome position (GRCh38, 1-based): chr16:30,721,454, C>T. VCF-style: chr16-30721454-C-T. GRCh37 (hg19) VCF-style: chr16-30732775-C-T.
Identifiers: ClinVar variation 1592441 (VCV001592441.35), dbSNP rs368322185, ClinGen allele CA8011499.
Genomic context (GRCh38, chr16:30,721,454, plus strand): 5'-TGCTACCACCACAGCAGTGCCAGCTCCGACTCCTGCACCACAGCGCCTCATTCTATCTCC[C>T]GATATGCAGGCTCGCCTGCCCTGTAAGTTCCCAGGGCTCTGTGGTGAGGGACTTGAGATG-3'
Protein context (NP_006653.2, residues 1163-1183): TPAPQRLILS[Pro1173=]DMQARLPSGE